The following is an entry in ClinVar:

ClinVar aggregate classification (germline): Uncertain significance. Review status: criteria provided, multiple submitters, no conflicts (2 of 4 stars). 2 submissions from 2 submitters: Uncertain significance (2). Last evaluated 2025-12-09.

Conditions:
DICER1-related tumor predisposition. Also called: DICER1 syndrome; DICER1-related pleuropulmonary blastoma cancer predisposition syndrome. Identifiers: Orphanet 284343, MedGen C3839822, MONDO:0100216.
Hereditary cancer-predisposing syndrome. Also called: Neoplastic Syndromes, Hereditary; Hereditary neoplastic syndrome; Hereditary Cancer Syndrome; Tumor predisposition. Identifiers: Orphanet 140162, MedGen C0027672, MeSH D009386, MONDO:0015356.

Submissions (2):

Labcorp Genetics (formerly Invitae), Labcorp
Classification: Uncertain significance for DICER1-related tumor predisposition. Last evaluated: 2025-12-09. Review status: criteria provided, single submitter. Criteria: Invitae Variant Classification Sherloc (09022015). Collection method: clinical testing. Allele origin: germline.
Comment: This sequence change replaces alanine, which is neutral and non-polar, with valine, which is neutral and non-polar, at codon 1560 of the DICER1 protein (p.Ala1560Val). This variant is not present in population databases (gnomAD no frequency). This variant has not been reported in the literature in individuals affected with DICER1-related conditions. ClinVar contains an entry for this variant (Variation ID: 1400099). Invitae Evidence Modeling of protein sequence and biophysical properties (such as structural, functional, and spatial information, amino acid conservation, physicochemical variation, residue mobility, and thermodynamic stability) indicates that this missense variant is not expected to disrupt DICER1 protein function with a negative predictive value of 95%. In summary, the available evidence is currently insufficient to determine the role of this variant in disease. Therefore, it has been classified as a Variant of Uncertain Significance.

Ambry Genetics
Classification: Uncertain significance for Hereditary cancer-predisposing syndrome. Last evaluated: 2022-06-30. Review status: criteria provided, single submitter. Criteria: Ambry Variant Classification Scheme 2023. Collection method: clinical testing. Allele origin: germline.
Comment: The p.A1560V variant (also known as c.4679C>T), located in coding exon 22 of the DICER1 gene, results from a C to T substitution at nucleotide position 4679. The alanine at codon 1560 is replaced by valine, an amino acid with similar properties. This amino acid position is highly conserved in available vertebrate species. In addition, this alteration is predicted to be deleterious by in silico analysis. Since supporting evidence is limited at this time, the clinical significance of this alteration remains unclear.

NM_177438.3(DICER1):c.4679C>T (p.Ala1560Val)

Gene: DICER1 (dicer 1, ribonuclease III; minus strand). Cytogenetic location: 14q32.13.
Variant type: single nucleotide variant.
Coding change: c.4679C>T on transcript NM_177438.3 (MANE Select); coding-DNA position 4679, C replaced by T.
Protein change: p.Ala1560Val; replaces alanine 1560 with valine.
Molecular consequence: missense variant.
Genome position (GRCh38, 1-based): chr14:95,096,241, G>A on the plus strand (C>T on the coding strand, the complement: DICER1 is on the minus strand). VCF-style: chr14-95096241-G-A. GRCh37 (hg19) VCF-style: chr14-95562578-G-A.
Other names: c.4679C>T, p.Ala1560Val (NM_001195573.1, NM_001271282.3, NM_001291628.2 and 1 more transcripts); short protein forms A1560V.
Identifiers: ClinVar variation 1400099 (VCV001400099.9), dbSNP rs1890321010, ClinGen allele CA390867538.